The following is an entry in ClinVar:

ClinVar aggregate classification (germline): Uncertain significance. Review status: criteria provided, multiple submitters, no conflicts (2 of 4 stars). 3 submissions from 3 submitters: Uncertain significance (3). Last evaluated 2025-01-09.

Conditions:
Fanconi anemia complementation group O. Also called: RAD51C-Related Fanconi Anemia. Identifiers: Orphanet 84, MedGen C3150653, MONDO:0013248, OMIM 613390.
Hereditary cancer-predisposing syndrome. Also called: Hereditary neoplastic syndrome; Tumor predisposition; Neoplastic Syndromes, Hereditary; Hereditary Cancer Syndrome. Identifiers: Orphanet 140162, MedGen C0027672, MeSH D009386, MONDO:0015356.

Submissions (3):

Ambry Genetics
Classification: Uncertain significance for Hereditary cancer-predisposing syndrome. Last evaluated: 2025-01-09. Review status: criteria provided, single submitter. Criteria: Ambry Variant Classification Scheme 2023. Collection method: clinical testing. Allele origin: germline.
Comment: The p.T287P variant (also known as c.859A>C), located in coding exon 6 of the RAD51C gene, results from an A to C substitution at nucleotide position 859. The threonine at codon 287 is replaced by proline, an amino acid with highly similar properties. This amino acid position is highly conserved in available vertebrate species. In addition, this alteration is predicted to be deleterious by in silico analysis. Based on the available evidence, the clinical significance of this variant remains unclear.

Labcorp Genetics (formerly Invitae), Labcorp
Classification: Uncertain significance for Fanconi anemia complementation group O. Last evaluated: 2023-02-03. Review status: criteria provided, single submitter. Criteria: Invitae Variant Classification Sherloc (09022015). Collection method: clinical testing. Allele origin: germline.
Comment: This variant is not present in population databases (gnomAD no frequency). This variant has not been reported in the literature in individuals affected with RAD51C-related conditions. ClinVar contains an entry for this variant (Variation ID: 860143). Advanced modeling of protein sequence and biophysical properties (such as structural, functional, and spatial information, amino acid conservation, physicochemical variation, residue mobility, and thermodynamic stability) performed at Invitae indicates that this missense variant is expected to disrupt RAD51C protein function. In summary, the available evidence is currently insufficient to determine the role of this variant in disease. Therefore, it has been classified as a Variant of Uncertain Significance. This sequence change replaces threonine, which is neutral and polar, with proline, which is neutral and non-polar, at codon 287 of the RAD51C protein (p.Thr287Pro).

GeneDx
Classification: Uncertain significance. Last evaluated: 2019-09-23. Review status: criteria provided, single submitter. Criteria: GeneDx Variant Classification Process June 2021. Collection method: clinical testing. Allele origin: germline. Affected: yes.
Comment: Not observed in large population cohorts (Lek 2016); In silico analysis, which includes protein predictors and evolutionary conservation, supports a deleterious effect; Has not been previously published as pathogenic or benign to our knowledge

NM_058216.3(RAD51C):c.859A>C (p.Thr287Pro)

Gene: RAD51C (RAD51 paralog C; plus strand). Cytogenetic location: 17q22.
Variant type: single nucleotide variant.
Coding change: c.859A>C on transcript NM_058216.3 (MANE Select); coding-DNA position 859, A replaced by C.
Protein change: p.Thr287Pro; replaces threonine 287 with proline.
Molecular consequence: missense variant. On other transcripts: non-coding transcript variant (1).
Genome position (GRCh38, 1-based): chr17:58,720,767, A>C. VCF-style: chr17-58720767-A-C. GRCh37 (hg19) VCF-style: chr17-56798128-A-C.
Other names: short protein forms T287P.
Identifiers: ClinVar variation 860143 (VCV000860143.12), dbSNP rs28363317, ClinGen allele CA400359461.